The following is an entry in ClinVar:

ClinVar aggregate classification (germline): Uncertain significance (1 of 4 stars; one submission).

Conditions:
Niemann-Pick disease, type C1. Also called: NIEMANN-PICK DISEASE, VARIANT TYPE C1; NEUROVISCERAL STORAGE DISEASE WITH VERTICAL SUPRANUCLEAR OPHTHALMOPLEGIA; NIEMANN-PICK DISEASE WITH CHOLESTEROL ESTERIFICATION BLOCK; NIEMANN-PICK DISEASE WITHOUT SPHINGOMYELINASE DEFICIENCY; NIEMANN-PICK DISEASE, CHRONIC NEURONOPATHIC FORM. Identifiers: Orphanet 646, MedGen C3179455, MONDO:0009757, OMIM 257220.

gnomAD v4.1: 3 of 1,612,824 alleles (0.00019%); highest among the groups gnomAD compares: South Asian, 0.0033%; no homozygotes.

Submission:

Labcorp Genetics (formerly Invitae), Labcorp
Classification: Uncertain significance for Niemann-Pick disease, type C1. Last evaluated: 2024-03-24. Review status: criteria provided, single submitter. Criteria: Invitae Variant Classification Sherloc (09022015). Collection method: clinical testing. Allele origin: germline.
Comment: This sequence change replaces glutamic acid, which is acidic and polar, with lysine, which is basic and polar, at codon 610 of the NPC1 protein (p.Glu610Lys). This variant is present in population databases (no rsID available, gnomAD 0.003%). This variant has not been reported in the literature in individuals affected with NPC1-related conditions. Advanced modeling of protein sequence and biophysical properties (such as structural, functional, and spatial information, amino acid conservation, physicochemical variation, residue mobility, and thermodynamic stability) performed at Invitae indicates that this missense variant is expected to disrupt NPC1 protein function with a positive predictive value of 95%. In summary, the available evidence is currently insufficient to determine the role of this variant in disease. Therefore, it has been classified as a Variant of Uncertain Significance.

NM_000271.5(NPC1):c.1828G>A (p.Glu610Lys)

Gene: NPC1 (NPC intracellular cholesterol transporter 1; minus strand). Cytogenetic location: 18q11.2.
Variant type: single nucleotide variant.
Coding change: c.1828G>A on transcript NM_000271.5 (MANE Select); coding-DNA position 1828, G replaced by A.
Protein change: p.Glu610Lys; replaces glutamic acid 610 with lysine.
Molecular consequence: missense variant.
Genome position (GRCh38, 1-based): chr18:23,545,079, C>T on the plus strand (G>A on the coding strand, the complement: NPC1 is on the minus strand). VCF-style: chr18-23545079-C-T. GRCh37 (hg19) VCF-style: chr18-21125043-C-T.
Other names: short protein forms E610K.
Identifiers: ClinVar variation 3637536 (VCV003637536.2).